The following is an entry in ClinVar:

NM_004036.5(ADCY3):c.2433-8T>C

Gene: ADCY3 (adenylate cyclase 3; minus strand). Cytogenetic location: 2p23.3.
Variant type: single nucleotide variant.
Coding change: c.2433-8T>C on transcript NM_004036.5 (MANE Select); 8 bases into the intron before coding-DNA position 2433, T replaced by C.
Molecular consequence: intron variant.
Genome position (GRCh38, 1-based): chr2:24,827,616, A>G on the plus strand (T>C on the coding strand, the complement: ADCY3 is on the minus strand). VCF-style: chr2-24827616-A-G. GRCh37 (hg19) VCF-style: chr2-25050485-A-G.
Other names: c.2173-3080T>C (NM_001377130.1); c.2295-8T>C (NM_001377129.1); c.2433-8T>C (NM_001320613.2, NM_001377132.1); c.2499-8T>C (NM_001377128.1); c.1710-8T>C (NM_001377131.1).
Identifiers: ClinVar variation 4980616 (VCV004980616.1).

ClinVar aggregate classification (germline): Likely benign (1 of 4 stars; one submission).

Conditions:
ADCY3-related disorder. Also called: ADCY3-related condition.

gnomAD v4.1: 13 of 1,579,818 alleles (0.00082%); highest among the groups gnomAD compares: Admixed American, 0.021%; no homozygotes.

Submission:

PreventionGenetics, part of Exact Sciences
Classification: Likely benign for ADCY3-related condition. Last evaluated: 2025-03-03. Review status: criteria provided, single submitter. Criteria: ACMG Guidelines, 2015. Collection method: clinical testing. Allele origin: germline.
Comment: This variant is classified as likely benign based on ACMG/AMP sequence variant interpretation guidelines (Richards et al. 2015 PMID: 25741868, with internal and published modifications).